The following is an entry in ClinVar:

ClinVar aggregate classification (germline): Benign/Likely benign. Review status: criteria provided, multiple submitters, no conflicts (2 of 4 stars). 15 submissions from 15 submitters: Benign (3); Likely benign (8). 4 of the submissions do not count toward it. Last evaluated 2026-01-25.

Conditions:
Cardiovascular phenotype. Identifiers: MedGen CN230736.
VCL-related disorder. Also called: VCL-related condition.
Hypertrophic cardiomyopathy 15. Identifiers: MedGen C2750459, MONDO:0013200, OMIM 613255.
Dilated cardiomyopathy 1W (CMD1W). Identifiers: Orphanet 154, MedGen C1969639, MONDO:0012667, OMIM 611407.

Allele frequency attached by ClinVar (database versions not stated): gnomAD exomes 0.00012 and 0.00022; 1000 Genomes Project 0.00020; ExAC 0.00030; 1000 Genomes Project 30x 0.00031; gnomAD 0.00076 and 0.00086; ESP Exome Variant Server 0.00085; TOPMed 0.00108.
gnomAD v4.1: 302 of 1,614,012 alleles (0.019%); highest among the groups gnomAD compares: African/African-American, 0.24%; no homozygotes.

Submissions (15):

Labcorp Genetics (formerly Invitae), Labcorp
Classification: Benign for Dilated cardiomyopathy 1W. Last evaluated: 2026-01-25. Review status: criteria provided, single submitter. Criteria: Invitae Variant Classification Sherloc (09022015). Collection method: clinical testing. Allele origin: germline.

Molecular Diagnostic Laboratory for Inherited Cardiovascular Disease, Montreal Heart Institute
Classification: Likely benign. Last evaluated: 2025-04-09. Review status: criteria provided, single submitter. Criteria: ACMG Guidelines, 2015. Collection method: clinical testing. Allele origin: germline. Affected: no.

Mayo Clinic Laboratories, Mayo Clinic
Classification: Likely benign. Last evaluated: 2025-02-26. Review status: criteria provided, single submitter. Criteria: ACMG Guidelines, 2015. Collection method: clinical testing. Allele origin: germline. Observed: 2 variant alleles.
Comment: BS1, BP4, BP7

Blueprint Genetics
Classification: Likely benign. Last evaluated: 2024-07-15. Review status: criteria provided, single submitter. Criteria: ACMG Guidelines, 2015. Collection method: clinical testing. Allele origin: germline.

Women's Health and Genetics/Laboratory Corporation of America, LabCorp
Classification: Benign. Last evaluated: 2022-05-07. Review status: criteria provided, single submitter. Criteria: LabCorp Variant Classification Summary - May 2015. Collection method: clinical testing. Allele origin: germline.

Fulgent Genetics
Classification: Likely benign for Dilated cardiomyopathy 1W; Hypertrophic cardiomyopathy 15. Last evaluated: 2021-08-09. Review status: criteria provided, single submitter. Criteria: ACMG Guidelines, 2015. Collection method: clinical testing. Allele origin: unknown.

ARUP Laboratories, Molecular Genetics and Genomics, ARUP Laboratories
Classification: Benign. Last evaluated: 2021-04-06. Review status: criteria provided, single submitter. Criteria: ARUP Molecular Germline Variant Investigation Process 2021. Collection method: clinical testing. Allele origin: germline.

GeneDx
Classification: Likely benign. Last evaluated: 2020-09-17. Review status: criteria provided, single submitter. Criteria: GeneDx Variant Classification Process June 2021. Collection method: clinical testing. Allele origin: germline. Affected: yes.
Comment: This variant is associated with the following publications: (PMID: 24503780)

Ambry Genetics
Classification: Likely benign for Cardiovascular phenotype. Last evaluated: 2016-06-08. Review status: criteria provided, single submitter. Criteria: Ambry Variant Classification Scheme 2023. Collection method: clinical testing. Allele origin: germline.

Laboratory for Molecular Medicine, Mass General Brigham Personalized Medicine
Classification: Likely benign. Last evaluated: 2012-02-07. Review status: criteria provided, single submitter. Criteria: LMM Criteria. Collection method: clinical testing. Allele origin: germline. Observed: 2 variant alleles.
Comment: Ala524Ala in exon 12 of VCL: This variant is not expected to have clinical signi ficance because it does not alter an amino acid residue, is not located within t he splice consensus sequence, and has been identified in 0.1% (5/3738) of Africa n American chromosomes by the NHLBI Exome Sequencing Project in a broad populati on (dbSNP rs138566234). Ala524Ala in exon 12 of VCL (rs138566234; allele frequency = 0.1%, 5/3738) **

Breakthrough Genomics
Classification: Likely benign. Review status: criteria provided, single submitter. Criteria: ACMG Guidelines, 2015. Collection method: not provided. Allele origin: germline. Inheritance: Autosomal dominant inheritance. Affected: yes.

PreventionGenetics, part of Exact Sciences
Classification: Likely benign for VCL-related condition. Last evaluated: 2019-02-20. Review status: no assertion criteria provided. Collection method: clinical testing. Allele origin: germline. Not counted in ClinVar's aggregate classification.
Comment: This variant is classified as likely benign based on ACMG/AMP sequence variant interpretation guidelines (Richards et al. 2015 PMID: 25741868, with internal and published modifications).

Clinical Genetics DNA and cytogenetics Diagnostics Lab, Erasmus MC, Erasmus Medical Center
Classification: Likely benign. Review status: no assertion criteria provided. Collection method: clinical testing. Allele origin: germline. Affected: yes. Study: VKGL Data-share Consensus. Not counted in ClinVar's aggregate classification.

Clinical Genetics, Academic Medical Center
Classification: Benign. Review status: no assertion criteria provided. Collection method: clinical testing. Allele origin: germline. Affected: yes. Study: VKGL Data-share Consensus. Not counted in ClinVar's aggregate classification.

Diagnostic Laboratory, Department of Genetics, University Medical Center Groningen
Classification: Likely benign. Review status: no assertion criteria provided. Collection method: clinical testing. Allele origin: germline. Affected: yes. Study: VKGL Data-share Consensus. Not counted in ClinVar's aggregate classification.

NM_014000.3(VCL):c.1572C>T (p.Ala524=)

Gene: VCL (vinculin; plus strand). Cytogenetic location: 10q22.2.
Variant type: single nucleotide variant.
Coding change: c.1572C>T on transcript NM_014000.3 (MANE Select); coding-DNA position 1572, C replaced by T.
Protein change: p.Ala524=; no amino-acid change (alanine 524 retained).
Molecular consequence: synonymous variant.
Genome position (GRCh38, 1-based): chr10:74,095,684, C>T. VCF-style: chr10-74095684-C-T. GRCh37 (hg19) VCF-style: chr10-75855442-C-T.
Other names: p.Ala524=; c.1572C>T, p.Ala524= (NM_003373.4).
Identifiers: ClinVar variation 45584 (VCV000045584.38), dbSNP rs138566234, ClinGen allele CA136709.